The following is an entry in ClinVar:

ClinVar aggregate classification (germline): Uncertain significance (1 of 4 stars; one submission).

Conditions:
Hereditary spastic paraplegia 3A (SPG3A). Also called: Spastic paraplegia 3A, autosomal dominant; SPASTIC PARAPLEGIA 3, AUTOSOMAL DOMINANT; FAMILIAL SPASTIC PARAPLEGIA, AUTOSOMAL DOMINANT, 1; SPG3; STRUMPELL DISEASE; Spastic Paraplegia 3A. Identifiers: Orphanet 100984, MedGen C2931355, MONDO:0008437, OMIM 182600.

Allele frequency attached by ClinVar (database versions not stated): gnomAD 0.00001; TOPMed 0.00003.
gnomAD v4.1: 5 of 1,613,924 alleles (0.00031%); highest among the groups gnomAD compares: Admixed American, 0.0083%; no homozygotes.

Submission:

Labcorp Genetics (formerly Invitae), Labcorp
Classification: Uncertain significance for Hereditary spastic paraplegia 3A. Last evaluated: 2026-01-08. Review status: criteria provided, single submitter. Criteria: Invitae Variant Classification Sherloc (09022015). Collection method: clinical testing. Allele origin: germline.
Comment: This sequence change replaces arginine, which is basic and polar, with glycine, which is neutral and non-polar, at codon 501 of the ATL1 protein (p.Arg501Gly). This variant is present in population databases (no rsID available, gnomAD 0.009%). This variant has not been reported in the literature in individuals affected with ATL1-related conditions. ClinVar contains an entry for this variant (Variation ID: 1370772). Invitae Evidence Modeling of protein sequence and biophysical properties (such as structural, functional, and spatial information, amino acid conservation, physicochemical variation, residue mobility, and thermodynamic stability) has been performed for this missense variant. However, the output from this modeling did not meet the statistical confidence thresholds required to predict the impact of this variant on ATL1 protein function. In summary, the available evidence is currently insufficient to determine the role of this variant in disease. Therefore, it has been classified as a Variant of Uncertain Significance.

NM_015915.5(ATL1):c.1501C>G (p.Arg501Gly)

Gene: ATL1 (atlastin GTPase 1; plus strand). Cytogenetic location: 14q22.1.
Variant type: single nucleotide variant.
Coding change: c.1501C>G on transcript NM_015915.5 (MANE Select); coding-DNA position 1501, C replaced by G.
Protein change: p.Arg501Gly; replaces arginine 501 with glycine.
Molecular consequence: missense variant.
Genome position (GRCh38, 1-based): chr14:50,628,412, C>G. VCF-style: chr14-50628412-C-G. GRCh37 (hg19) VCF-style: chr14-51095130-C-G.
Other names: c.1501C>G, p.Arg501Gly (NM_001127713.1, NM_181598.4); short protein forms R501G.
Identifiers: ClinVar variation 1370772 (VCV001370772.6), dbSNP rs1316385532, ClinGen allele CA389676427.